The following is an entry in ClinVar:

ClinVar aggregate classification (germline): Pathogenic (1 of 4 stars; one submission).

Conditions:
Inborn genetic diseases. Identifiers: MedGen C0950123, MeSH D030342.

Submission:

Ambry Genetics
Classification: Pathogenic for Inborn genetic diseases. Last evaluated: 2025-02-19. Review status: criteria provided, single submitter. Criteria: Ambry Variant Classification Scheme 2023. Collection method: clinical testing. Allele origin: germline.
Comment: The c.2362_2364delGACinsTT (p.D788Ffs*13) alteration, located in exon 11 (coding exon 11) of the TRIP11 gene, consists of a deletion of 3 and insertion of 2 nucleotides causing a translational frameshift at position 2362 with a predicted alternate stop codon after 13 amino acids. This alteration is expected to result in loss of function by premature protein truncation or nonsense-mediated mRNA decay. This variant was not reported in population-based cohorts in the Genome Aggregation Database (gnomAD). Based on the available evidence, this alteration is classified as pathogenic.

NM_004239.4(TRIP11):c.2362_2364delinsTT (p.Asp788fs)

Gene: TRIP11 (thyroid hormone receptor interactor 11; minus strand). Cytogenetic location: 14q32.12.
Variant type: Indel.
Coding change: c.2362_2364delinsTT on transcript NM_004239.4 (MANE Select); coding-DNA positions 2362 to 2364, GAC replaced by TT.
Protein change: p.Asp788fs; shifts the reading frame from aspartic acid 788.
Molecular consequence: frameshift variant.
Genome position (GRCh38, 1-based): chr14:92,005,612-92,005,614, GTC replaced by AA on the plus strand (GAC replaced by TT on the coding strand, the reverse complement: TRIP11 is on the minus strand). VCF-style: chr14-92005612-GTC-AA. GRCh37 (hg19) VCF-style: chr14-92471956-GTC-AA.
Other names: c.2359_2361delinsTT, p.Asp787fs (NM_001321851.1); short protein forms D787fs, D788fs.
Identifiers: ClinVar variation 3810758 (VCV003810758.1).